The following is an entry in ClinVar:

NM_001042492.3(NF1):c.3194C>G (p.Thr1065Arg)

Gene: NF1 (neurofibromin 1; plus strand). Cytogenetic location: 17q11.2.
Variant type: single nucleotide variant.
Coding change: c.3194C>G on transcript NM_001042492.3 (MANE Select); coding-DNA position 3194, C replaced by G.
Protein change: p.Thr1065Arg; replaces threonine 1065 with arginine.
Molecular consequence: missense variant.
Genome position (GRCh38, 1-based): chr17:31,230,922, C>G. VCF-style: chr17-31230922-C-G. GRCh37 (hg19) VCF-style: chr17-29557940-C-G.
Other names: c.3194C>G, p.Thr1065Arg (NM_000267.4); short protein forms T1065R.
Identifiers: ClinVar variation 1728697 (VCV001728697.2), dbSNP rs2067102897, ClinGen allele CA398988317.

ClinVar aggregate classification (germline): Uncertain significance (1 of 4 stars; one submission).

Conditions:
Cardiovascular phenotype. Identifiers: MedGen CN230736.
Hereditary cancer-predisposing syndrome. Also called: Tumor predisposition; Neoplastic Syndromes, Hereditary; Hereditary Cancer Syndrome; Hereditary neoplastic syndrome. Identifiers: Orphanet 140162, MedGen C0027672, MeSH D009386, MONDO:0015356.

Submission:

Ambry Genetics
Classification: Uncertain significance for Cardiovascular phenotype; Hereditary cancer-predisposing syndrome. Last evaluated: 2022-08-03. Review status: criteria provided, single submitter. Criteria: Ambry Variant Classification Scheme 2023. Collection method: clinical testing. Allele origin: germline.
Comment: The p.T1065R variant (also known as c.3194C>G), located in coding exon 24 of the NF1 gene, results from a C to G substitution at nucleotide position 3194. The threonine at codon 1065 is replaced by arginine, an amino acid with similar properties. This amino acid position is conserved. In addition, the in silico prediction for this alteration is inconclusive. Since supporting evidence is limited at this time, the clinical significance of this alteration remains unclear.